The following is an entry in ClinVar:

ClinVar aggregate classification (germline): Uncertain significance (1 of 4 stars; one submission).

Submission:

GeneDx
Classification: Uncertain significance. Last evaluated: 2024-09-11. Review status: criteria provided, single submitter. Criteria: GeneDx Variant Classification Process June 2021. Collection method: clinical testing. Allele origin: germline. Affected: yes.
Comment: Not observed at significant frequency in large population cohorts (gnomAD); In silico analysis supports that this missense variant has a deleterious effect on protein structure/function; Has not been previously published as pathogenic or benign to our knowledge

NM_001042631.3(SDHAF1):c.128C>G (p.Pro43Arg)

Gene: SDHAF1 (succinate dehydrogenase complex assembly factor 1; plus strand). Cytogenetic location: 19q13.12.
Variant type: single nucleotide variant.
Coding change: c.128C>G on transcript NM_001042631.3 (MANE Select); coding-DNA position 128, C replaced by G.
Protein change: p.Pro43Arg; replaces proline 43 with arginine.
Molecular consequence: missense variant.
Genome position (GRCh38, 1-based): chr19:35,995,402, C>G. VCF-style: chr19-35995402-C-G. GRCh37 (hg19) VCF-style: chr19-36486304-C-G.
Other names: short protein forms P43R.
Identifiers: ClinVar variation 3769998 (VCV003769998.1).